The following is an entry in ClinVar:

NM_021224.6(ZNF462):c.4180del (p.Trp1394fs)

Gene: ZNF462 (zinc finger protein 462; plus strand). Cytogenetic location: 9q31.2.
Variant type: Deletion.
Coding change: c.4180del on transcript NM_021224.6 (MANE Select); coding-DNA position 4180, one base deleted (T; older notation c.4180delT).
Protein change: p.Trp1394fs; shifts the reading frame from tryptophan 1394.
Molecular consequence: frameshift variant. On other transcripts: intron variant (1).
Genome position (GRCh38, 1-based): chr9:106,928,092, T deleted. VCF-style (leftmost placement, unchanged base first): chr9-106928091-CT-C. GRCh37 (hg19) VCF-style: chr9-109690372-CT-C.
Other names: c.3252+928del (NM_001347997.2); short protein forms W1394fs.
Identifiers: ClinVar variation 2671804 (VCV002671804.3), dbSNP rs2538791482, ClinGen allele CA2579410349.

ClinVar aggregate classification (germline): Pathogenic/Likely pathogenic. Review status: criteria provided, multiple submitters, no conflicts (2 of 4 stars). 2 submissions from 2 submitters: Pathogenic (1); Likely pathogenic (1). Last evaluated 2023-12-04.

Conditions:
Weiss-Kruszka syndrome. Also called: Metopic ridging-ptosis-facial dysmorphism syndrome. Identifiers: Orphanet 502430, MedGen C5568107, MONDO:0032836, OMIM 618619.

Submissions (2):

Laboratory of Molecular and Physiopathological Bases of Osteochondrodysplasia, Imagine Institute
Classification: Pathogenic for Weiss-Kruszka syndrome. Last evaluated: 2023-12-04. Review status: criteria provided, single submitter. Criteria: ACMG Guidelines, 2015. Collection method: clinical testing. Allele origin: de novo. Affected: yes. Observed: 1 variant allele.

Greenwood Genetic Center Diagnostic Laboratories, Greenwood Genetic Center
Classification: Likely pathogenic for Weiss-Kruszka syndrome. Last evaluated: 2023-11-22. Review status: criteria provided, single submitter. Criteria: ACMG Guidelines, 2015. Collection method: clinical testing. Allele origin: germline. Affected: yes.
Comment: PVS1, PM2